The following is an entry in ClinVar:

NM_000455.5(STK11):c.721G>A (p.Ala241Thr)

Gene: STK11 (serine/threonine kinase 11; plus strand). Cytogenetic location: 19p13.3.
Variant type: single nucleotide variant.
Coding change: c.721G>A on transcript NM_000455.5 (MANE Select); coding-DNA position 721, G replaced by A.
Protein change: p.Ala241Thr; replaces alanine 241 with threonine.
Molecular consequence: missense variant.
Genome position (GRCh38, 1-based): chr19:1,220,704, G>A. VCF-style: chr19-1220704-G-A. GRCh37 (hg19) VCF-style: chr19-1220703-G-A.
Other names: p.A241T:GCT>ACT; short protein forms A241T.
Identifiers: ClinVar variation 135926 (VCV000135926.71), dbSNP rs587780721, ClinGen allele CA023250.
Genomic context (GRCh38, chr19:1,220,704, plus strand): 5'-CCGCCCGAGATTGCCAACGGCCTGGACACCTTCTCCGGCTTCAAGGTGGACATCTGGTCG[G>A]CTGGGGTCACCCTGTAAGTGCCCCGCCCCCCCGGGCACTCACCACACGCACACTCCGAGG-3'
Protein context (NP_000446.1, residues 231-251): FSGFKVDIWS[Ala241Thr]GVTLYNITTG

ClinVar aggregate classification (germline): Conflicting classifications of pathogenicity. Review status: criteria provided, conflicting classifications (1 of 4 stars). 14 submissions from 14 submitters: Uncertain significance (10); Likely benign (1). 3 of the submissions do not count toward it. Last evaluated 2026-06-04.

Conditions:
Breast and/or ovarian cancer. Identifiers: MedGen CN221562.
Hereditary cancer-predisposing syndrome. Also called: Tumor predisposition; Hereditary neoplastic syndrome; Hereditary Cancer Syndrome; Neoplastic Syndromes, Hereditary. Identifiers: Orphanet 140162, MedGen C0027672, MeSH D009386, MONDO:0015356.
Melanoma, cutaneous malignant, susceptibility to, 1 (CMM1). Also called: DYSPLASTIC NEVUS SYNDROME, HEREDITARY; FAMILIAL ATYPICAL MOLE-MALIGNANT MELANOMA SYNDROME; MELANOMA, MALIGNANT; B-K MOLE SYNDROME. Identifiers: Orphanet 618, MedGen C1835047, MONDO:0007963, OMIM 155600.
Peutz-Jeghers syndrome (PJS). Also called: Peutz-Jeghers polyposis; Periorificial lentiginosis syndrome; POLYPOSIS, HAMARTOMATOUS INTESTINAL; POLYPS-AND-SPOTS SYNDROME. Identifiers: Orphanet 2869, MedGen C0031269, MeSH D010580, MONDO:0008280, OMIM 175200.

Allele frequency attached by ClinVar (database versions not stated): TOPMed 0.00003.

Submissions (14):

Ambry Genetics
Classification: Uncertain significance for Hereditary cancer-predisposing syndrome. Last evaluated: 2026-06-04. Review status: criteria provided, single submitter. Criteria: Ambry Variant Classification Scheme 2023. Collection method: clinical testing. Allele origin: germline.
Comment: The p.A241T variant (also known as c.721G>A), located in coding exon 5 of the STK11 gene, results from a G to A substitution at nucleotide position 721. The alanine at codon 241 is replaced by threonine, an amino acid with similar properties. This amino acid position is highly conserved in available vertebrate species. In addition, the in silico prediction for this alteration is inconclusive. Based on the available evidence, the clinical significance of this variant remains unclear.

Labcorp Genetics (formerly Invitae), Labcorp
Classification: Likely benign for Peutz-Jeghers syndrome. Last evaluated: 2025-10-07. Review status: criteria provided, single submitter. Criteria: Invitae Variant Classification Sherloc (09022015). Collection method: clinical testing. Allele origin: germline.

GeneDx
Classification: Uncertain significance. Last evaluated: 2025-03-26. Review status: criteria provided, single submitter. Criteria: GeneDx Variant Classification Process June 2021. Collection method: clinical testing. Allele origin: germline. Affected: yes.
Comment: Not observed at significant frequency in large population cohorts (gnomAD); In silico analysis indicates that this missense variant does not alter protein structure/function; Observed in an individual with a history of Lynch syndrome-associated cancer and/or polyps (PMID: 25980754); This variant is associated with the following publications: (PMID: 30287823, 15863673, 25980754)

All of Us Research Program, National Institutes of Health
Classification: Uncertain significance for Peutz-Jeghers syndrome. Last evaluated: 2024-09-23. Review status: criteria provided, single submitter. Criteria: ACMG Guidelines, 2015. Collection method: clinical testing. Allele origin: germline. Inheritance: Autosomal dominant inheritance. Observed: 2 variant alleles, 2 heterozygotes.
Comment: This missense variant replaces alanine with threonine at codon 241 of the STK11 protein. Computational prediction is inconclusive regarding the impact of this variant on protein structure and function (internally defined REVEL score threshold 0.5 < inconclusive < 0.7, PMID: 27666373). To our knowledge, functional studies have not been reported for this variant. This variant has been reported in an individual affected with Lynch syndrome-associated cancer and/or polyps (PMID: 25980754). This variant has been identified in 2/241110 chromosomes in the general population by the Genome Aggregation Database (gnomAD). The available evidence is insufficient to determine the role of this variant in disease conclusively. Therefore, this variant is classified as a Variant of Uncertain Significance.

This study involves interpretation of variants in research participants for the purpose of population health screening. Participant phenotype was not available at the time of variant classification. Additional details can be found in publication PMID: 35346344, PMCID: PMC8962531

Color Diagnostics, LLC DBA Color Health
Classification: Uncertain significance for Hereditary cancer-predisposing syndrome. Last evaluated: 2024-04-02. Review status: criteria provided, single submitter. Criteria: ACMG Guidelines, 2015. Collection method: clinical testing. Allele origin: germline.
Comment: This missense variant replaces alanine with threonine at codon 241 of the STK11 protein. Computational prediction is inconclusive regarding the impact of this variant on protein structure and function (internally defined REVEL score threshold 0.5 < inconclusive < 0.7, PMID: 27666373). To our knowledge, functional studies have not been reported for this variant. This variant has been reported in an individual affected with Lynch syndrome-associated cancer and/or polyps (PMID: 25980754). This variant has been identified in 2/241110 chromosomes in the general population by the Genome Aggregation Database (gnomAD). The available evidence is insufficient to determine the role of this variant in disease conclusively. Therefore, this variant is classified as a Variant of Uncertain Significance.

Myriad Genetics, Inc.
Classification: Uncertain significance for Peutz-Jeghers syndrome. Last evaluated: 2023-04-14. Review status: criteria provided, single submitter. Criteria: Myriad Autosomal Dominant, Autosomal Recessive and X-Linked Classification Criteria (2023). Collection method: clinical testing. Allele origin: unknown.
Comment: This variant is classified as a variant of uncertain significance as there is insufficient evidence to determine its impact on protein function and/or cancer risk.

CHEO Genetics Diagnostic Laboratory, Children's Hospital of Eastern Ontario
Classification: Uncertain significance for Breast and/or ovarian cancer. Last evaluated: 2022-10-27. Review status: criteria provided, single submitter. Criteria: ACMG Guidelines, 2015. Collection method: clinical testing. Allele origin: germline.

Baylor Genetics
Classification: Uncertain significance for Melanoma, cutaneous malignant, susceptibility to, 1. Last evaluated: 2022-10-11. Review status: criteria provided, single submitter. Criteria: ACMG Guidelines, 2015. Collection method: clinical testing. Allele origin: unknown.

CeGaT Center for Human Genetics Tuebingen
Classification: Uncertain significance. Last evaluated: 2022-08-01. Review status: criteria provided, single submitter. Criteria: CeGaT Center For Human Genetics Tuebingen Variant Classification Criteria Version 2. Collection method: clinical testing. Allele origin: germline. Affected: yes. Observed: 2 variant alleles.

Genome-Nilou Lab
Classification: Uncertain significance for Peutz-Jeghers syndrome. Last evaluated: 2021-07-15. Review status: criteria provided, single submitter. Criteria: ACMG Guidelines, 2015. Collection method: clinical testing. Allele origin: germline. Affected: no.

Quest Diagnostics Nichols Institute San Juan Capistrano
Classification: Uncertain significance. Last evaluated: 2019-11-08. Review status: criteria provided, single submitter. Criteria: Quest Diagnostics criteria. Collection method: clinical testing. Allele origin: unknown.

Counsyl
Classification: Uncertain significance for Peutz-Jeghers syndrome. Last evaluated: 2016-09-14. Review status: no assertion criteria provided. Collection method: clinical testing. Allele origin: unknown. Not counted in ClinVar's aggregate classification.

Diagnostic Laboratory, Department of Genetics, University Medical Center Groningen
Classification: Uncertain significance. Review status: no assertion criteria provided. Collection method: clinical testing. Allele origin: germline. Affected: yes. Study: VKGL Data-share Consensus. Not counted in ClinVar's aggregate classification.

Laboratory of Diagnostic Genome Analysis, Leiden University Medical Center (LUMC)
Classification: Uncertain significance. Review status: no assertion criteria provided. Collection method: clinical testing. Allele origin: germline. Affected: yes. Study: VKGL Data-share Consensus. Not counted in ClinVar's aggregate classification.

Literature cited by the submitters: PubMed 25980754 (cited by 4 submitters).